The following is an entry in ClinVar:

ClinVar aggregate classification (germline): Uncertain significance (1 of 4 stars; one submission).

Conditions:
Emery-Dreifuss muscular dystrophy 4, autosomal dominant (EDMD4). Also called: EMERY-DREIFUSS MUSCULAR DYSTROPHY 4 WITH VARIABLE FEATURES. Identifiers: Orphanet 261, MedGen C2751807, MONDO:0013071, OMIM 612998.
Autosomal recessive ataxia, Beauce type. Also called: SYNE1 Deficiency; Spinocerebellar ataxia, autosomal recessive 8; ATAXIA, RECESSIVE, OF BEAUCE; SYNE1-Related Autosomal Recessive Cerebellar Ataxia. Identifiers: Orphanet 88644, MedGen C1853116, MONDO:0012549, OMIM 610743.

Allele frequency attached by ClinVar (database versions not stated): TOPMed 0.00001.

Submission:

Labcorp Genetics (formerly Invitae), Labcorp
Classification: Uncertain significance for Emery-Dreifuss muscular dystrophy 4, autosomal dominant; Autosomal recessive ataxia, Beauce type. Last evaluated: 2024-11-05. Review status: criteria provided, single submitter. Criteria: Invitae Variant Classification Sherloc (09022015). Collection method: clinical testing. Allele origin: germline.
Comment: This sequence change replaces alanine, which is neutral and non-polar, with valine, which is neutral and non-polar, at codon 2691 of the SYNE1 protein (p.Ala2691Val). This variant is not present in population databases (gnomAD no frequency). This variant has not been reported in the literature in individuals affected with SYNE1-related conditions. ClinVar contains an entry for this variant (Variation ID: 1942462). An algorithm developed to predict the effect of missense changes on protein structure and function (PolyPhen-2) suggests that this variant is likely to be tolerated. In summary, the available evidence is currently insufficient to determine the role of this variant in disease. Therefore, it has been classified as a Variant of Uncertain Significance.

NM_182961.4(SYNE1):c.8051C>T (p.Ala2684Val)

Gene: SYNE1 (spectrin repeat containing nuclear envelope protein 1; minus strand). Cytogenetic location: 6q25.2.
Variant type: single nucleotide variant.
Coding change: c.8051C>T on transcript NM_182961.4 (MANE Select); coding-DNA position 8051, C replaced by T.
Protein change: p.Ala2684Val; replaces alanine 2684 with valine.
Molecular consequence: missense variant.
Genome position (GRCh38, 1-based): chr6:152,390,406, G>A on the plus strand (C>T on the coding strand, the complement: SYNE1 is on the minus strand). VCF-style: chr6-152390406-G-A. GRCh37 (hg19) VCF-style: chr6-152711541-G-A.
Other names: c.8072C>T, p.Ala2691Val (NM_033071.5); short protein forms A2684V, A2691V.
Identifiers: ClinVar variation 1942462 (VCV001942462.5), dbSNP rs1261211744, ClinGen allele CA366106133.
Genomic context (GRCh38, chr6:152,390,406, plus strand): 5'-TGAATCACCCTCTGACCTTCTTTGTTGCTACTTCTCAAGGCCTGTTCCCCCTTGCCAATG[G>A]CCATATTCAACTTAACTTCCCCTTCACCTTTCATCAGGAGAATATCCTGGGAAGGAAGAA-3'
Protein context (NP_892006.3, residues 2674-2694): KGEGEVKLNM[Ala2684Val]IGKGEQALRS